The following is an entry in ClinVar:

ClinVar aggregate classification (germline): Pathogenic (1 of 4 stars; one submission).

gnomAD v4.1: 10 of 1,614,022 alleles (0.00062%); highest among the groups gnomAD compares: South Asian, 0.0033%; no homozygotes.

Submission:

Labcorp Genetics (formerly Invitae), Labcorp
Classification: Pathogenic. Last evaluated: 2024-09-14. Review status: criteria provided, single submitter. Criteria: Invitae Variant Classification Sherloc (09022015). Collection method: clinical testing. Allele origin: germline.
Comment: This sequence change creates a premature translational stop signal (p.Arg749*) in the MYO5B gene. It is expected to result in an absent or disrupted protein product. Loss-of-function variants in MYO5B are known to be pathogenic (PMID: 18724368, 20186687). This variant is present in population databases (rs775529538, gnomAD 0.003%). This premature translational stop signal has been observed in individual(s) with microvillus inclusion disease (PMID: 21206382). Algorithms developed to predict the effect of sequence changes on RNA splicing suggest that this variant may disrupt the consensus splice site. For these reasons, this variant has been classified as Pathogenic.

Literature cited by the submitters: PubMed 18724368; PubMed 20186687; PubMed 21206382.

NM_001080467.3(MYO5B):c.2245C>T (p.Arg749Ter)

Gene: MYO5B (myosin VB; minus strand). Cytogenetic location: 18q21.1.
Variant type: single nucleotide variant.
Coding change: c.2245C>T on transcript NM_001080467.3 (MANE Select); coding-DNA position 2245, C replaced by T.
Protein change: p.Arg749Ter; replaces arginine 749 with a stop codon.
Molecular consequence: nonsense.
Genome position (GRCh38, 1-based): chr18:49,906,588, G>A on the plus strand (C>T on the coding strand, the complement: MYO5B is on the minus strand). VCF-style: chr18-49906588-G-A. GRCh37 (hg19) VCF-style: chr18-47432958-G-A.
Other names: short protein forms R749*.
Identifiers: ClinVar variation 3723137 (VCV003723137.2).